The following is an entry in ClinVar:

ClinVar aggregate classification (germline): Likely benign. Review status: criteria provided, multiple submitters, no conflicts (2 of 4 stars). 2 submissions from 2 submitters: Likely benign (2). Last evaluated 2018-06-14.

Allele frequency attached by ClinVar (database versions not stated): gnomAD 0.01306; 1000 Genomes Project 0.01458; TOPMed 0.01461; 1000 Genomes Project 30x 0.01593.
gnomAD v4.1: 5,067 of 1,495,412 alleles (0.34%); highest among the groups gnomAD compares: African/African-American, 4.6%; 78 homozygotes.

Submissions (2):

GeneDx
Classification: Likely benign. Last evaluated: 2018-06-14. Review status: criteria provided, single submitter. Criteria: GeneDx Variant Classification (06012015). Collection method: clinical testing. Allele origin: germline. Affected: yes.
Comment: This variant is considered likely benign or benign based on one or more of the following criteria: it is a conservative change, it occurs at a poorly conserved position in the protein, it is predicted to be benign by multiple in silico algorithms, and/or has population frequency not consistent with disease.

Breakthrough Genomics
Classification: Likely benign. Review status: criteria provided, single submitter. Criteria: ACMG Guidelines, 2015. Collection method: not provided. Allele origin: germline. Inheritance: Autosomal dominant inheritance. Affected: yes.

NM_000093.5(COL5A1):c.492-76C>G

Gene: COL5A1 (collagen type V alpha 1 chain; plus strand). Cytogenetic location: 9q34.3.
Variant type: single nucleotide variant.
Coding change: c.492-76C>G on transcript NM_000093.5 (MANE Select); 76 bases into the intron before coding-DNA position 492, C replaced by G.
Molecular consequence: intron variant.
Genome position (GRCh38, 1-based): chr9:134,701,095, C>G. VCF-style: chr9-134701095-C-G. GRCh37 (hg19) VCF-style: chr9-137592941-C-G.
Other names: c.492-76C>G (NM_001278074.1).
Identifiers: ClinVar variation 675732 (VCV000675732.2), dbSNP rs73665738, ClinGen allele CA201087146.
Genomic context (GRCh38, chr9:134,701,095, plus strand): 5'-GGCCTTGATCTGCTCCGCCCCACCACGATCGTGCAGGAAGTGGGCCTTCTTCCTGTGTCT[C>G]GAGGAATTTGCAGCAAAATTGCTTGAGCTGGCATCTGTGATCCAAGCCCTGTCTTCACCA-3'